The following is an entry in ClinVar:

NM_005585.5(SMAD6):c.667C>T (p.Gln223Ter)

Gene: SMAD6 (SMAD family member 6; plus strand). Cytogenetic location: 15q22.31.
Variant type: single nucleotide variant.
Coding change: c.667C>T on transcript NM_005585.5 (MANE Select); coding-DNA position 667, C replaced by T.
Protein change: p.Gln223Ter; replaces glutamine 223 with a stop codon.
Molecular consequence: nonsense. On other transcripts: non-coding transcript variant (1).
Genome position (GRCh38, 1-based): chr15:66,703,925, C>T. VCF-style: chr15-66703925-C-T. GRCh37 (hg19) VCF-style: chr15-66996263-C-T.
Other names: short protein forms Q223*.
Identifiers: ClinVar variation 417818 (VCV000417818.10), dbSNP rs1064793003, ClinGen allele CA16616881.

ClinVar aggregate classification (germline): Conflicting classifications of pathogenicity. Review status: criteria provided, conflicting classifications (1 of 4 stars). 3 submissions from 3 submitters: Likely pathogenic (1); Uncertain significance (1). 1 of the submissions does not count toward it. Last evaluated 2026-01-16.

Conditions:
CRANIOSYNOSTOSIS 7, SUSCEPTIBILITY TO. Identifiers: MedGen C4479677.
Aortic valve disease 2 (AOVD2). Identifiers: MedGen C3542024, MONDO:0013902, OMIM 614823.

Allele frequency attached by ClinVar (database versions not stated): gnomAD 0.00001.
gnomAD v4.1: 9 of 1,325,588 alleles (0.00068%); highest among the groups gnomAD compares: African/African-American, 0.0015%; no homozygotes.

Submissions (3):

GeneDx
Classification: Likely pathogenic. Last evaluated: 2026-01-16. Review status: criteria provided, single submitter. Criteria: GeneDx Variant Classification Process June 2021. Collection method: clinical testing. Allele origin: germline.
Comment: Reported in an individual with metopic craniosynostosis; the variant was inherited from the unaffected father and also present in an unaffected sibling (PMID: 27606499); Nonsense variant predicted to result in protein truncation or nonsense mediated decay in a gene for which loss of function is a known mechanism of disease; Not observed at significant frequency in large population cohorts (gnomAD); This variant is associated with the following publications: (PMID: 27606499)

Labcorp Genetics (formerly Invitae), Labcorp
Classification: Uncertain significance for Aortic valve disease 2. Last evaluated: 2023-11-10. Review status: criteria provided, single submitter. Criteria: Invitae Variant Classification Sherloc (09022015). Collection method: clinical testing. Allele origin: germline.
Comment: This sequence change creates a premature translational stop signal (p.Gln223*) in the SMAD6 gene. It is expected to result in an absent or disrupted protein product. However, the current clinical and genetic evidence is not sufficient to establish whether loss-of-function variants in SMAD6 cause disease. This variant is not present in population databases (gnomAD no frequency). This premature translational stop signal has been observed in individual(s) with non-syndromic midline craniosynostosis (PMID: 27606499). ClinVar contains an entry for this variant (Variation ID: 417818). In summary, the available evidence is currently insufficient to determine the role of this variant in disease. Therefore, it has been classified as a Variant of Uncertain Significance.

OMIM
Classification: risk factor for CRANIOSYNOSTOSIS 7, SUSCEPTIBILITY TO. Last evaluated: 2017-04-19. Review status: no assertion criteria provided. Collection method: literature only. Allele origin: germline. Not counted in ClinVar's aggregate classification.

Literature cited by the submitters: PubMed 27606499 (cited by Labcorp Genetics (formerly Invitae), Labcorp and OMIM).